The following is an entry in ClinVar:

NM_172201.2(KCNE2):c.372A>G (p.Ter124Trp)

Genes: KCNE2 (potassium voltage-gated channel subfamily E regulatory subunit 2; plus strand), LOC105372791 (uncharacterized LOC105372791; minus strand). Cytogenetic location: 21q22.11.
Variant type: single nucleotide variant.
Coding change: c.372A>G on transcript NM_172201.2 (MANE Select); coding-DNA position 372, A replaced by G.
Protein change: p.Ter124Trp.
Molecular consequence: stop lost.
Genome position (GRCh38, 1-based): chr21:34,370,850, A>G. VCF-style: chr21-34370850-A-G. GRCh37 (hg19) VCF-style: chr21-35743149-A-G.
Other names: *124W.
Identifiers: ClinVar variation 955646 (VCV000955646.10), dbSNP rs1305783893, ClinGen allele CA410197295.

ClinVar aggregate classification (germline): Uncertain significance. Review status: criteria provided, multiple submitters, no conflicts (2 of 4 stars). 2 submissions from 2 submitters: Uncertain significance (2). Last evaluated 2022-12-30.

Conditions:
Cardiovascular phenotype. Identifiers: MedGen CN230736.
Long QT syndrome 6 (LQT6). Identifiers: Orphanet 101016, Orphanet 768, MedGen C3150953, MONDO:0013370, OMIM 613693.

Allele frequency attached by ClinVar (database versions not stated): gnomAD exomes below 0.00001; gnomAD 0.00001; TOPMed 0.00001.
gnomAD v4.1: 5 of 1,613,650 alleles (0.00031%); highest among the groups gnomAD compares: African/African-American, 0.0053%; no homozygotes.

Submissions (2):

Labcorp Genetics (formerly Invitae), Labcorp
Classification: Uncertain significance for Long QT syndrome 6. Last evaluated: 2022-12-30. Review status: criteria provided, single submitter. Criteria: Invitae Variant Classification Sherloc (09022015). Collection method: clinical testing. Allele origin: germline.
Comment: In summary, the available evidence is currently insufficient to determine the role of this variant in disease. Therefore, it has been classified as a Variant of Uncertain Significance. ClinVar contains an entry for this variant (Variation ID: 955646). This variant has not been reported in the literature in individuals affected with KCNE2-related conditions. This variant is present in population databases (no rsID available, gnomAD 0.008%). This sequence change disrupts the translational stop signal of the KCNE2 mRNA. It is expected to extend the length of the KCNE2 protein by 1 additional amino acid residues.

Ambry Genetics
Classification: Uncertain significance for Cardiovascular phenotype. Last evaluated: 2022-03-15. Review status: criteria provided, single submitter. Criteria: Ambry Variant Classification Scheme 2023. Collection method: clinical testing. Allele origin: germline.
Comment: The c.372A>G variant (also known as p.*124Wext*1), located in coding exon 1 of the KCNE2 gene, results from an A to G substitution at nucleotide position 372. This alteration disrupts the stop codon of the KCNE2 gene and is predicted to preserve the native sequence while resulting in the elongation of the protein by one amino acid. The exact functional effect of the additional amino acid is unknown, and the evidence for this gene-disease relationship is limited; therefore, the clinical significance of this alteration is unclear.